The following is an entry in ClinVar:

NM_000748.3(CHRNB2):c.381C>G (p.Tyr127Ter)

Gene: CHRNB2 (cholinergic receptor nicotinic beta 2 subunit; plus strand). Cytogenetic location: 1q21.3.
Variant type: single nucleotide variant.
Coding change: c.381C>G on transcript NM_000748.3 (MANE Select); coding-DNA position 381, C replaced by G.
Protein change: p.Tyr127Ter; replaces tyrosine 127 with a stop codon.
Molecular consequence: nonsense.
Genome position (GRCh38, 1-based): chr1:154,571,204, C>G. VCF-style: chr1-154571204-C-G. GRCh37 (hg19) VCF-style: chr1-154543680-C-G.
Other names: short protein forms Y127*.
Identifiers: ClinVar variation 3390841 (VCV003390841.1).

ClinVar aggregate classification (germline): Uncertain significance (1 of 4 stars; one submission).

Submission:

GeneDx
Classification: Uncertain significance. Last evaluated: 2024-06-12. Review status: criteria provided, single submitter. Criteria: GeneDx Variant Classification Process June 2021. Collection method: clinical testing. Allele origin: germline. Affected: yes.
Comment: Not observed at significant frequency in large population cohorts (gnomAD); Nonsense variant predicted to result in protein truncation or nonsense mediated decay in a gene or region of a gene for which loss of function is not a well-established mechanism of disease; Has not been previously published as pathogenic or benign to our knowledge